The following is an entry in ClinVar:

NM_004304.5(ALK):c.85G>T (p.Ala29Ser)

Gene: ALK (ALK receptor tyrosine kinase; minus strand). Cytogenetic location: 2p23.1.
Variant type: single nucleotide variant.
Coding change: c.85G>T on transcript NM_004304.5 (MANE Select); coding-DNA position 85, G replaced by T.
Protein change: p.Ala29Ser; replaces alanine 29 with serine.
Molecular consequence: missense variant.
Genome position (GRCh38, 1-based): chr2:29,920,575, C>A on the plus strand (G>T on the coding strand, the complement: ALK is on the minus strand). VCF-style: chr2-29920575-C-A. GRCh37 (hg19) VCF-style: chr2-30143441-C-A.
Other names: c.85G>T (NM_004304.4); short protein forms A29S.
Identifiers: ClinVar variation 1514481 (VCV001514481.7), dbSNP rs1326321652, ClinGen allele CA346590719.

ClinVar aggregate classification (germline): Uncertain significance. Review status: criteria provided, multiple submitters, no conflicts (2 of 4 stars). 2 submissions from 2 submitters: Uncertain significance (2). Last evaluated 2025-02-15.

Conditions:
Hereditary cancer-predisposing syndrome. Also called: Neoplastic Syndromes, Hereditary; Hereditary Cancer Syndrome; Tumor predisposition; Hereditary neoplastic syndrome. Identifiers: Orphanet 140162, MedGen C0027672, MeSH D009386, MONDO:0015356.
Neuroblastoma, susceptibility to, 3. Also called: ALK-Related Neuroblastic Tumor Susceptibility. Identifiers: Orphanet 635, MedGen C2751681, MONDO:0013083, OMIM 613014.

Submissions (2):

Ambry Genetics
Classification: Uncertain significance for Hereditary cancer-predisposing syndrome. Last evaluated: 2025-02-15. Review status: criteria provided, single submitter. Criteria: Ambry Variant Classification Scheme 2023. Collection method: clinical testing. Allele origin: germline.
Comment: The p.A29S variant (also known as c.85G>T), located in coding exon 1 of the ALK gene, results from a G to T substitution at nucleotide position 85. The alanine at codon 29 is replaced by serine, an amino acid with similar properties. This amino acid position is conserved. In addition, this alteration is predicted to be tolerated by in silico analysis. Based on the available evidence, the clinical significance of this variant remains unclear.

Labcorp Genetics (formerly Invitae), Labcorp
Classification: Uncertain significance for Neuroblastoma, susceptibility to, 3. Last evaluated: 2024-05-23. Review status: criteria provided, single submitter. Criteria: Invitae Variant Classification Sherloc (09022015). Collection method: clinical testing. Allele origin: germline.
Comment: This sequence change replaces alanine, which is neutral and non-polar, with serine, which is neutral and polar, at codon 29 of the ALK protein (p.Ala29Ser). This variant is not present in population databases (gnomAD no frequency). This variant has not been reported in the literature in individuals affected with ALK-related conditions. ClinVar contains an entry for this variant (Variation ID: 1514481). An algorithm developed to predict the effect of missense changes on protein structure and function (PolyPhen-2) suggests that this variant is likely to be tolerated. In summary, the available evidence is currently insufficient to determine the role of this variant in disease. Therefore, it has been classified as a Variant of Uncertain Significance.